The following is an entry in ClinVar:

NM_002843.4(PTPRJ):c.1274G>A (p.Arg425His)

Gene: PTPRJ (protein tyrosine phosphatase receptor type J; plus strand). Cytogenetic location: 11p11.2.
Variant type: single nucleotide variant.
Coding change: c.1274G>A on transcript NM_002843.4 (MANE Select); coding-DNA position 1274, G replaced by A.
Protein change: p.Arg425His; replaces arginine 425 with histidine.
Molecular consequence: missense variant.
Genome position (GRCh38, 1-based): chr11:48,127,960, G>A. VCF-style: chr11-48127960-G-A. GRCh37 (hg19) VCF-style: chr11-48149512-G-A.
Other names: c.1274G>A, p.Arg425His (NM_001098503.2); short protein forms R425H.
Identifiers: ClinVar variation 3037974 (VCV003037974.2), dbSNP rs151256577, ClinGen allele CA5982125.

ClinVar aggregate classification (germline): Likely benign (0 of 4 stars; one submission).

Conditions:
PTPRJ-related disorder. Also called: PTPRJ-related condition.

Allele frequency attached by ClinVar (database versions not stated): 1000 Genomes Project 30x 0.00078; 1000 Genomes Project 0.00080; TOPMed 0.00094; gnomAD 0.00099; ExAC 0.00103; ESP Exome Variant Server 0.00131; gnomAD exomes 0.00145.
gnomAD v4.1: 2,276 of 1,614,106 alleles (0.14%); highest among the groups gnomAD compares: Non-Finnish European, 0.17%; 3 homozygotes.

Submission:

PreventionGenetics, part of Exact Sciences
Classification: Likely benign for PTPRJ-related condition. Last evaluated: 2022-05-24. Review status: no assertion criteria provided. Collection method: clinical testing. Allele origin: germline.
Comment: This variant is classified as likely benign based on ACMG/AMP sequence variant interpretation guidelines (Richards et al. 2015 PMID: 25741868, with internal and published modifications).